The following is an entry in ClinVar:

ClinVar aggregate classification (germline): Benign. Review status: criteria provided, multiple submitters, no conflicts (2 of 4 stars). 2 submissions from 2 submitters: Benign (2). Last evaluated 2019-01-19.

Allele frequency attached by ClinVar (database versions not stated): gnomAD exomes 0.04759 and 0.06470; ESP Exome Variant Server 0.07324; gnomAD 0.07358 and 0.07473; ExAC 0.07545; TOPMed 0.07900; 1000 Genomes Project 0.10743; 1000 Genomes Project 30x 0.10978.
gnomAD v4.1: 81,093 of 1,612,334 alleles (5%); highest among the groups gnomAD compares: African/African-American, 16%; 3,113 homozygotes.

Submissions (2):

GeneDx
Classification: Benign. Last evaluated: 2019-01-19. Review status: criteria provided, single submitter. Criteria: GeneDx Variant Classification Process June 2021. Collection method: clinical testing. Allele origin: germline. Affected: yes.
Comment: This variant is associated with the following publications: (PMID: 30180840)

Breakthrough Genomics
Classification: Benign. Review status: criteria provided, single submitter. Criteria: ACMG Guidelines, 2015. Collection method: not provided. Allele origin: germline. Inheritance: Unknown mechanism. Affected: yes.

NM_003386.3(ZAN):c.5708G>A (p.Cys1903Tyr)

Gene: ZAN (zonadhesin; plus strand). Cytogenetic location: 7q22.1.
Variant type: single nucleotide variant.
Coding change: c.5708G>A on transcript NM_003386.3 (MANE Select); coding-DNA position 5708, G replaced by A.
Protein change: p.Cys1903Tyr; replaces cysteine 1903 with tyrosine.
Molecular consequence: missense variant. On other transcripts: non-coding transcript variant (3).
Genome position (GRCh38, 1-based): chr7:100,773,794, G>A. VCF-style: chr7-100773794-G-A. GRCh37 (hg19) VCF-style: chr7-100371417-G-A.
Other names: c.5708G>A, p.Cys1903Tyr (NM_173059.3); short protein forms C1903Y.
Identifiers: ClinVar variation 1273388 (VCV001273388.2), dbSNP rs12673041, ClinGen allele CA4391450.
Genomic context (GRCh38, chr7:100,773,794, plus strand): 5'-GGTACACAGAGAACACCTGCACCAGGCTCTGCACCTGCTCCGTCCACAACAACATCACCT[G>A]CTTCCAGAGCACCTGCAAACCCAACCAGATATGCTGGGCCCTGGATGGGCTGCTCCATTG-3'
Protein context (NP_003377.2, residues 1893-1913): CTCSVHNNIT[Cys1903Tyr]FQSTCKPNQI